The following is an entry in ClinVar:

ClinVar aggregate classification (germline): Likely benign (1 of 4 stars; one submission).

Allele frequency attached by ClinVar (database versions not stated): ExAC 0.00013; gnomAD 0.00014; 1000 Genomes Project 0.00020; gnomAD exomes 0.00020; TOPMed 0.00020; 1000 Genomes Project 30x 0.00031.
gnomAD v4.1: 324 of 1,610,892 alleles (0.02%); highest among the groups gnomAD compares: Middle Eastern, 1.4%; 3 homozygotes.

Submission:

CeGaT Center for Human Genetics Tuebingen
Classification: Likely benign. Last evaluated: 2022-09-01. Review status: criteria provided, single submitter. Criteria: CeGaT Center For Human Genetics Tuebingen Variant Classification Criteria Version 2. Collection method: clinical testing. Allele origin: germline. Affected: yes. Observed: 1 variant allele.
Comment: SINHCAF: BP4, BP7

NM_001135812.2(SINHCAF):c.399A>G (p.Gln133=)

Gene: SINHCAF (SIN3-HDAC complex associated factor; minus strand). Cytogenetic location: 12p11.21.
Variant type: single nucleotide variant.
Coding change: c.399A>G on transcript NM_001135812.2 (MANE Select); coding-DNA position 399, A replaced by G.
Protein change: p.Gln133=; no amino-acid change (glutamine 133 retained).
Molecular consequence: synonymous variant.
Genome position (GRCh38, 1-based): chr12:31,287,741, T>C on the plus strand (A>G on the coding strand, the complement: SINHCAF is on the minus strand). VCF-style: chr12-31287741-T-C. GRCh37 (hg19) VCF-style: chr12-31440675-T-C.
Other names: c.399A>G, p.Gln133= (NM_001135811.2, NM_021238.3).
Identifiers: ClinVar variation 2642825 (VCV002642825.24), dbSNP rs200248729, ClinGen allele CA6503240.